The following is an entry in ClinVar:

NM_016203.4(PRKAG2):c.866T>C (p.Val289Ala)

Gene: PRKAG2 (protein kinase AMP-activated non-catalytic subunit gamma 2; minus strand). Cytogenetic location: 7q36.1.
Variant type: single nucleotide variant.
Coding change: c.866T>C on transcript NM_016203.4 (MANE Select); coding-DNA position 866, T replaced by C.
Protein change: p.Val289Ala; replaces valine 289 with alanine.
Molecular consequence: missense variant.
Genome position (GRCh38, 1-based): chr7:151,576,451, A>G on the plus strand (T>C on the coding strand, the complement: PRKAG2 is on the minus strand). VCF-style: chr7-151576451-A-G. GRCh37 (hg19) VCF-style: chr7-151273537-A-G.
Other names: p.V289A:GTT>GCT; c.734T>C, p.Val245Ala (NM_001040633.2); c.491T>C, p.Val164Ala (NM_001304527.2); c.143T>C, p.Val48Ala (NM_001304531.2, NM_024429.2); c.494T>C, p.Val165Ala (NM_001363698.2); short protein forms V289A, V165A, V164A, V48A, V245A.
Identifiers: ClinVar variation 181473 (VCV000181473.43), dbSNP rs730880975, ClinGen allele CA014597.

ClinVar aggregate classification (germline): Conflicting classifications of pathogenicity. Review status: criteria provided, conflicting classifications (1 of 4 stars). 9 submissions from 8 submitters: Uncertain significance (7); Likely benign (1). 1 of the submissions does not count toward it. Last evaluated 2026-01-16.

Conditions:
PRKAG2-related disorder. Also called: PRKAG2-related condition; PRKAG2-related disorders.
Cardiovascular phenotype. Identifiers: MedGen CN230736.
Cardiomyopathy (CMYO). Also called: Cardiomyopathies. Identifiers: Orphanet 167848, MedGen C0878544, MONDO:0004994, HP:0001638. Inheritance: Various modes of inheritance.
Wolff-Parkinson-White pattern. Also called: Auriculoventricular accessory pathway syndrome; False bundle branch block syndrome; Anomalous ventricular excitation syndrome; WPW SYNDROME. Identifiers: MedGen C0043202, MONDO:0008685, OMIM 194200, HP:0001716.
Hypertrophic cardiomyopathy 6. Identifiers: MedGen C1833236, MONDO:0010946, OMIM 600858.
Lethal congenital glycogen storage disease of heart. Also called: GLYCOGEN STORAGE DISEASE OF HEART; PHOSPHORYLASE KINASE DEFICIENCY OF HEART. Identifiers: Orphanet 439854, MedGen C1849813, MONDO:0009867, OMIM 261740.
Hypertrophic cardiomyopathy. Also called: HYPERTROPHIC MYOCARDIOPATHY. Identifiers: Orphanet 217569, MedGen C0007194, MeSH D002312, MONDO:0005045, HP:0001639.

Allele frequency attached by ClinVar (database versions not stated): gnomAD 0.00001; gnomAD exomes 0.00002 and 0.00004; TOPMed 0.00002; ExAC 0.00003.
gnomAD v4.1: 32 of 1,591,238 alleles (0.002%); highest among the groups gnomAD compares: Middle Eastern, 0.017%; no homozygotes.

Submissions (9):

Labcorp Genetics (formerly Invitae), Labcorp
Classification: Likely benign for Lethal congenital glycogen storage disease of heart. Last evaluated: 2026-01-16. Review status: criteria provided, single submitter. Criteria: Invitae Variant Classification Sherloc (09022015). Collection method: clinical testing. Allele origin: germline.

All of Us Research Program, National Institutes of Health
Classification: Uncertain significance for Hypertrophic cardiomyopathy. Last evaluated: 2024-06-11. Review status: criteria provided, single submitter. Criteria: ACMG Guidelines, 2015. Collection method: clinical testing. Allele origin: germline. Inheritance: Autosomal dominant inheritance. Observed: 9 variant alleles, 9 heterozygotes.
Comment: This missense variant replaces valine with alanine at codon 289 of the PRKAG2 protein. Computational prediction suggests that this variant may have deleterious impact on protein structure and function (internally defined REVEL score threshold >= 0.7, PMID: 27666373). To our knowledge, functional studies have not been reported for this variant. This variant has not been reported in individuals affected with cardiovascular disorders in the literature. This variant has been identified in 11/250822 chromosomes in the general population by the Genome Aggregation Database (gnomAD). The available evidence is insufficient to determine the role of this variant in disease conclusively. Therefore, this variant is classified as a Variant of Uncertain Significance.

This study involves interpretation of variants in research participants for the purpose of population health screening. Participant phenotype was not available at the time of variant classification. Additional details can be found in publication PMID: 35346344, PMCID: PMC8962531

CeGaT Center for Human Genetics Tuebingen
Classification: Uncertain significance. Last evaluated: 2024-04-01. Review status: criteria provided, single submitter. Criteria: CeGaT Center For Human Genetics Tuebingen Variant Classification Criteria Version 2. Collection method: clinical testing. Allele origin: germline. Affected: yes. Observed: 1 variant allele.
Comment: PRKAG2: PP3

Color Diagnostics, LLC DBA Color Health
Classification: Uncertain significance for Cardiomyopathy. Last evaluated: 2024-02-06. Review status: criteria provided, single submitter. Criteria: ACMG Guidelines, 2015. Collection method: clinical testing. Allele origin: germline.
Comment: This missense variant replaces valine with alanine at codon 289 of the PRKAG2 protein. Computational prediction tools indicate that this variant has a deleterious impact on protein structure and function. To our knowledge, functional studies have not been reported for this variant. This variant has been reported in one individual affected with hypertrophic cardiomyopathy (PMID: 27532257). This variant has been identified in 11/250822 chromosomes in the general population by the Genome Aggregation Database (gnomAD). The available evidence is insufficient to determine the role of this variant in disease conclusively. Therefore, this variant is classified as a Variant of Uncertain Significance.

Ambry Genetics
Classification: Uncertain significance for Cardiovascular phenotype. Last evaluated: 2023-11-29. Review status: criteria provided, single submitter. Criteria: Ambry Variant Classification Scheme 2023. Collection method: clinical testing. Allele origin: germline.
Comment: The p.V289A variant (also known as c.866T>C), located in coding exon 7 of the PRKAG2 gene, results from a T to C substitution at nucleotide position 866. The valine at codon 289 is replaced by alanine, an amino acid with similar properties. This amino acid position is highly conserved in available vertebrate species. In addition, this alteration is predicted to be deleterious by in silico analysis. Since supporting evidence is limited at this time, the clinical significance of this alteration remains unclear.

GeneDx
Classification: Uncertain significance. Last evaluated: 2023-06-27. Review status: criteria provided, single submitter. Criteria: GeneDx Variant Classification Process June 2021. Collection method: clinical testing. Allele origin: germline. Affected: yes.
Comment: Has not been previously published as pathogenic or benign to our knowledge; In silico analysis supports that this missense variant has a deleterious effect on protein structure/function

Illumina Laboratory Services, Illumina
Classification: Uncertain significance for Wolff-Parkinson-White pattern. Last evaluated: 2018-01-13. Review status: criteria provided, single submitter. Criteria: ICSL Variant Classification Criteria 13 December 2019. Collection method: clinical testing. Allele origin: germline.

Illumina Laboratory Services, Illumina
Classification: Uncertain significance for Hypertrophic cardiomyopathy 6. Last evaluated: 2018-01-13. Review status: criteria provided, single submitter. Criteria: ICSL Variant Classification Criteria 13 December 2019. Collection method: clinical testing. Allele origin: germline.

PreventionGenetics, part of Exact Sciences
Classification: Likely benign for PRKAG2-related condition. Last evaluated: 2024-03-28. Review status: no assertion criteria provided. Collection method: clinical testing. Allele origin: germline. Not counted in ClinVar's aggregate classification.
Comment: This variant is classified as likely benign based on ACMG/AMP sequence variant interpretation guidelines (Richards et al. 2015 PMID: 25741868, with internal and published modifications).

Literature cited by the submitters: PubMed 27532257 (cited by Color Diagnostics, LLC DBA Color Health).